The following is an entry in ClinVar:

NM_005629.4(SLC6A8):c.1430C>T (p.Ser477Leu)

Gene: SLC6A8 (solute carrier family 6 member 8; plus strand). Cytogenetic location: Xq28.
Variant type: single nucleotide variant.
Coding change: c.1430C>T on transcript NM_005629.4 (MANE Select); coding-DNA position 1430, C replaced by T.
Protein change: p.Ser477Leu; replaces serine 477 with leucine.
Molecular consequence: missense variant.
Genome position (GRCh38, 1-based): chrX:153,694,381, C>T. VCF-style: chrX-153694381-C-T. GRCh37 (hg19) VCF-style: chrX-152959836-C-T.
Other names: NM_005629.4(SLC6A8):c.1430C>T; p.Ser477Leu; c.1400C>T, p.Ser467Leu (NM_001142805.2); c.1085C>T, p.Ser362Leu (NM_001142806.1); short protein forms S362L, S467L, S477L.
Identifiers: ClinVar variation 1303056 (VCV001303056.3), dbSNP rs2148364216, ClinGen allele CA415087505.

ClinVar aggregate classification (germline): Uncertain significance. Review status: reviewed by expert panel (3 of 4 stars). 2 submissions from 2 submitters: Uncertain significance (1). 1 of the submissions does not count toward it. Last evaluated 2024-03-25.

Conditions:
Creatine transporter deficiency (CCDS1). Also called: Creatine Transporter (CRTR) Deficiency; Mental retardation , X-linked with seizures, short stature and midface hypoplasia; Mental retardation , X-linked, with creatine transport deficiency; X-linked creatine transporter deficiency; X-linked creatine deficiency syndrome; CEREBRAL CREATINE DEFICIENCY SYNDROME 1. Identifiers: Orphanet 52503, MedGen C1845862, MONDO:0010305, OMIM 300352.

Submissions (2):

ClinGen Cerebral Creatine Deficiency Syndromes Variant Curation Expert Panel, ClinGen
Classification: Uncertain significance for Creatine transporter deficiency. Last evaluated: 2024-03-25. Review status: reviewed by expert panel. Criteria: ClinGen_CCDS_ACMG_Specifications_SLC6A8_v1.1. Collection method: curation. Allele origin: germline. Inheritance: X-linked inheritance.
Comment: The NM_005629.4:c.1430C>T variant in SLC6A8 is a missense variant that is predicted to lead to the substitution of a serine for a leucine at amino acid position 477 (p.Ser477Leu). In this report (PMID: 21267006), the variant was said to segregate with disease in the family without further details, including the number of affected individuals, given; thus PP1 does not apply. The variant is absent in gnomAD v2.1.1. (PM2_Supporting). The computational predictor REVEL gives a score of 0.83 which is above the threshold of 0.75, evidence that correlates with impact to SLC6A8 function (PP3). There is a ClinVar entry for this variant (Variation ID: 1303056). In summary, this variant meets criteria to be classified as a variant of uncertain significance for creatine transporter deficiency. SLC6A8-specific criteria applied, as specified by the ClinGen CCDS VCEP (Specifications Version 1.1.0): PM2_Supporting, PP3, PP4. (Classification approved by the ClinGen CCDS VCEP on March 25, 2024)

GeneDx
Classification: Uncertain significance. Last evaluated: 2020-03-27. Review status: criteria provided, single submitter. Criteria: GeneDx Variant Classification Process June 2021. Collection method: clinical testing. Allele origin: germline. Affected: yes. Not counted in ClinVar's aggregate classification.
Comment: Not observed in large population cohorts (Lek et al., 2016); In silico analysis supports that this missense variant has a deleterious effect on protein structure/function; This variant is associated with the following publications: (PMID: 21267006)